The following is an entry in ClinVar:

NM_001040142.2(SCN2A):c.3951G>T (p.Leu1317Phe)

Gene: SCN2A (sodium voltage-gated channel alpha subunit 2; plus strand). Cytogenetic location: 2q24.3.
Variant type: single nucleotide variant.
Coding change: c.3951G>T on transcript NM_001040142.2 (MANE Select); coding-DNA position 3951, G replaced by T.
Protein change: p.Leu1317Phe; replaces leucine 1317 with phenylalanine.
Molecular consequence: missense variant.
Genome position (GRCh38, 1-based): chr2:165,373,326, G>T. VCF-style: chr2-165373326-G-T. GRCh37 (hg19) VCF-style: chr2-166229836-G-T.
Other names: c.3951G>T, p.Leu1317Phe (NM_001040143.2, NM_001371246.1, NM_001371247.1 and 1 more transcripts); short protein forms L1317F.
Identifiers: ClinVar variation 945172 (VCV000945172.1), dbSNP rs1574712189, ClinGen allele CA349030021.

ClinVar aggregate classification (germline): Uncertain significance (1 of 4 stars; one submission).

Conditions:
Seizures, benign familial infantile, 3 (BFIS3). Also called: CONVULSIONS, BENIGN FAMILIAL INFANTILE, 3; Familial neonatal seizures. Identifiers: Orphanet 140927, Orphanet 306, MedGen C1843140, MONDO:0011904, OMIM 607745.
Developmental and epileptic encephalopathy, 11 (DEE11). Also called: Early infantile epileptic encephalopathy 11. Identifiers: Orphanet 1934, MedGen C3150987, MONDO:0013388, OMIM 613721.

Submission:

Labcorp Genetics (formerly Invitae), Labcorp
Classification: Uncertain significance for Benign familial neonatal-infantile seizures; Early infantile epileptic encephalopathy 11. Last evaluated: 2019-06-27. Review status: criteria provided, single submitter. Criteria: Invitae Variant Classification Sherloc (09022015). Collection method: clinical testing. Allele origin: germline.
Comment: This sequence change replaces leucine with phenylalanine at codon 1317 of the SCN2A protein (p.Leu1317Phe). The leucine residue is highly conserved and there is a small physicochemical difference between leucine and phenylalanine. This variant is not present in population databases (ExAC no frequency). This variant has not been reported in the literature in individuals with SCN2A-related conditions. Algorithms developed to predict the effect of missense changes on protein structure and function are either unavailable or do not agree on the potential impact of this missense change (SIFT: "Deleterious"; PolyPhen-2: "Probably Damaging"; Align-GVGD: "Class C0"). In summary, the available evidence is currently insufficient to determine the role of this variant in disease. Therefore, it has been classified as a Variant of Uncertain Significance.